The following is an entry in ClinVar:

ClinVar aggregate classification (germline): Uncertain significance (1 of 4 stars; one submission).

Conditions:
KSR2-related disorder. Also called: KSR2-related condition.

Submission:

PreventionGenetics, part of Exact Sciences
Classification: Uncertain significance for KSR2-related condition. Last evaluated: 2026-03-26. Review status: criteria provided, single submitter. Criteria: ACMG Guidelines, 2015. Collection method: clinical testing. Allele origin: germline.
Comment: The KSR2 c.103G>C variant is predicted to result in the amino acid substitution p.Val35Leu. To our knowledge, this variant has not been reported in the literature or in a large population database (gnomAD), indicating this variant is rare. At this time, the clinical significance of this variant is uncertain due to the absence of conclusive functional and genetic evidence.

NM_173598.6(KSR2):c.190G>C (p.Val64Leu)

Gene: KSR2 (kinase suppressor of ras 2; minus strand). Cytogenetic location: 12q24.23.
Variant type: single nucleotide variant.
Coding change: c.190G>C on transcript NM_173598.6 (MANE Select); coding-DNA position 190, G replaced by C.
Protein change: p.Val64Leu; replaces valine 64 with leucine.
Molecular consequence: missense variant.
Genome position (GRCh38, 1-based): chr12:117,860,422, C>G on the plus strand (G>C on the coding strand, the complement: KSR2 is on the minus strand). VCF-style: chr12-117860422-C-G. GRCh37 (hg19) VCF-style: chr12-118298227-C-G.
Other names: short protein forms V64L.
Identifiers: ClinVar variation 4996641 (VCV004996641.1).